The following is an entry in ClinVar:

ClinVar aggregate classification (germline): Benign/Likely benign. Review status: criteria provided, multiple submitters, no conflicts (2 of 4 stars). 5 submissions from 5 submitters: Benign (1); Likely benign (3). 1 of the submissions does not count toward it. Last evaluated 2026-01-21.

Conditions:
Renal cell carcinoma. Identifiers: Orphanet 217071, MedGen C0007134, MeSH D002292, MONDO:0005086, HP:0005584.
Hereditary cancer-predisposing syndrome. Also called: Hereditary neoplastic syndrome; Neoplastic Syndromes, Hereditary; Tumor predisposition; Hereditary Cancer Syndrome. Identifiers: Orphanet 140162, MedGen C0027672, MeSH D009386, MONDO:0015356.
MET-related disorder. Also called: MET-related condition.
Papillary renal cell carcinoma type 1 (RCCP1). Also called: RENAL CELL CARCINOMA, PAPILLARY, 1, SOMATIC; Renal adenocarcinoma; Renal cell carcinoma 1; Renal cell carcinoma, somatic. Identifiers: Orphanet 47044, MedGen C1336839, OMIM 605074, HP:0011797.

Allele frequency attached by ClinVar (database versions not stated): gnomAD exomes 0.00001; TOPMed 0.00005; gnomAD 0.00006.
gnomAD v4.1: 22 of 1,614,018 alleles (0.0014%); highest among the groups gnomAD compares: African/African-American, 0.028%; no homozygotes.

Submissions (5):

Labcorp Genetics (formerly Invitae), Labcorp
Classification: Likely benign for Renal cell carcinoma. Last evaluated: 2026-01-21. Review status: criteria provided, single submitter. Criteria: Invitae Variant Classification Sherloc (09022015). Collection method: clinical testing. Allele origin: germline.

Myriad Genetics, Inc.
Classification: Benign for Papillary renal cell carcinoma type 1. Last evaluated: 2024-11-15. Review status: criteria provided, single submitter. Criteria: Myriad Autosomal Dominant, Autosomal Recessive and X-Linked Classification Criteria (2023). Collection method: clinical testing. Allele origin: unknown.
Comment: This variant is considered benign. This variant is a silent/synonymous amino acid change and it is not expected to impact splicing.

Sema4
Classification: Likely benign for Hereditary cancer-predisposing syndrome. Last evaluated: 2021-02-13. Review status: criteria provided, single submitter. Criteria: Sema4 Curation Guidelines. Collection method: curation. Allele origin: germline.

Ambry Genetics
Classification: Likely benign for Hereditary cancer-predisposing syndrome. Last evaluated: 2020-03-30. Review status: criteria provided, single submitter. Criteria: Ambry Variant Classification Scheme 2023. Collection method: clinical testing. Allele origin: germline.

PreventionGenetics, part of Exact Sciences
Classification: Likely benign for MET-related condition. Last evaluated: 2023-10-10. Review status: no assertion criteria provided. Collection method: clinical testing. Allele origin: germline. Not counted in ClinVar's aggregate classification.
Comment: This variant is classified as likely benign based on ACMG/AMP sequence variant interpretation guidelines (Richards et al. 2015 PMID: 25741868, with internal and published modifications).

NM_000245.4(MET):c.4134G>A (p.Glu1378=)

Gene: MET (MET proto-oncogene, receptor tyrosine kinase; plus strand). Cytogenetic location: 7q31.2.
Variant type: single nucleotide variant.
Coding change: c.4134G>A on transcript NM_000245.4 (MANE Select); coding-DNA position 4134, G replaced by A.
Protein change: p.Glu1378=; no amino-acid change (glutamic acid 1378 retained).
Molecular consequence: synonymous variant.
Genome position (GRCh38, 1-based): chr7:116,796,085, G>A. VCF-style: chr7-116796085-G-A. GRCh37 (hg19) VCF-style: chr7-116436139-G-A.
Other names: c.4188G>A (LRG_662t1, NM_001127500.2); c.2844G>A, p.Glu948= (NM_001324402.2); c.4188G>A, p.Glu1396= (NM_001127500.3).
Identifiers: ClinVar variation 246607 (VCV000246607.18), dbSNP rs879254328, ClinGen allele CA10584655.
Genomic context (GRCh38, chr7:116,796,085, plus strand): 5'-CGTAAAATGTGTCGCTCCGTATCCTTCTCTGTTGTCATCAGAAGATAACGCTGATGATGA[G>A]GTGGACACACGACCAGCCTCCTTCTGGGAGACATCATAGTGCTAGTACTATGTCAAAGCA-3'
Protein context (NP_000236.2, residues 1368-1388): LLSSEDNADD[Glu1378=]VDTRPASFWE